The following is an entry in ClinVar:

ClinVar aggregate classification (germline): Uncertain significance (1 of 4 stars; one submission).

Conditions:
Retinoblastoma (RB1). Also called: RETINOBLASTOMA, SOMATIC. Identifiers: Orphanet 790, MedGen C0035335, MeSH D012175, MONDO:0008380, OMIM 180200, HP:0009919. Disease mechanism: loss of function. Inheritance: Both sporadic and heritable forms are tested..

Submission:

Labcorp Genetics (formerly Invitae), Labcorp
Classification: Uncertain significance for Retinoblastoma. Last evaluated: 2024-02-17. Review status: criteria provided, single submitter. Criteria: Invitae Variant Classification Sherloc (09022015). Collection method: clinical testing. Allele origin: germline.
Comment: This sequence change replaces proline, which is neutral and non-polar, with serine, which is neutral and polar, at codon 231 of the RB1 protein (p.Pro231Ser). This variant is not present in population databases (gnomAD no frequency). This variant has not been reported in the literature in individuals affected with RB1-related conditions. ClinVar contains an entry for this variant (Variation ID: 1039486). Advanced modeling of protein sequence and biophysical properties (such as structural, functional, and spatial information, amino acid conservation, physicochemical variation, residue mobility, and thermodynamic stability) performed at Invitae indicates that this missense variant is expected to disrupt RB1 protein function with a positive predictive value of 95%. In summary, the available evidence is currently insufficient to determine the role of this variant in disease. Therefore, it has been classified as a Variant of Uncertain Significance.

NM_000321.3(RB1):c.691C>T (p.Pro231Ser)

Gene: RB1 (RB transcriptional corepressor 1; plus strand). Cytogenetic location: 13q14.2.
Variant type: single nucleotide variant.
Coding change: c.691C>T on transcript NM_000321.3 (MANE Select); coding-DNA position 691, C replaced by T.
Protein change: p.Pro231Ser; replaces proline 231 with serine.
Molecular consequence: missense variant.
Genome position (GRCh38, 1-based): chr13:48,360,100, C>T. VCF-style: chr13-48360100-C-T. GRCh37 (hg19) VCF-style: chr13-48934236-C-T.
Other names: short protein forms P231S.
Identifiers: ClinVar variation 1039486 (VCV001039486.8), dbSNP rs1952625956, ClinGen allele CA388158517.
Genomic context (GRCh38, chr13:48,360,100, plus strand): 5'-GATCTGGTGATTTCATTTCAGTTAATGCTATGTGTCCTTGACTATTTTATTAAACTCTCA[C>T]CTCCCATGTTGCTCAAAGAACCATATAGTAAGTATTTAATTTATGCCCCTTTTACTTTCT-3'
Protein context (NP_000312.2, residues 221-241): CVLDYFIKLS[Pro231Ser]PMLLKEPYKT